The following is an entry in ClinVar:

NM_001849.4(COL6A2):c.1333-198A>C

Gene: COL6A2 (collagen type VI alpha 2 chain; plus strand). Cytogenetic location: 21q22.3.
Variant type: single nucleotide variant.
Coding change: c.1333-198A>C on transcript NM_001849.4 (MANE Select); 198 bases into the intron before coding-DNA position 1333, A replaced by C.
Molecular consequence: intron variant.
Genome position (GRCh38, 1-based): chr21:46,120,317, A>C. VCF-style: chr21-46120317-A-C. GRCh37 (hg19) VCF-style: chr21-47540231-A-C.
Other names: c.1333-198A>C (NM_058175.3, NM_058174.3).
Identifiers: ClinVar variation 679209 (VCV000679209.1), dbSNP rs13051907, ClinGen allele CA14865402.
Genomic context (GRCh38, chr21:46,120,317, plus strand): 5'-CTCCCAGGAAGTGGACGAGGTCCTACCCACGTGTGGGTGGCCTCAGGGGGACCGAGAGAC[A>C]CCGTGCTCAGAGCGGCAGCTACAGGCACCGGGAAGGAGCTATGGGTGAAACAGGCGACTG-3'

ClinVar aggregate classification (germline): Benign (1 of 4 stars; one submission).

Allele frequency attached by ClinVar (database versions not stated): 1000 Genomes Project 0.85763; 1000 Genomes Project 30x 0.86212; gnomAD 0.86953 and 0.87582; TOPMed 0.88391.

Submission:

GeneDx
Classification: Benign. Last evaluated: 2018-06-14. Review status: criteria provided, single submitter. Criteria: GeneDx Variant Classification (06012015). Collection method: clinical testing. Allele origin: germline. Affected: yes.
Comment: This variant is considered likely benign or benign based on one or more of the following criteria: it is a conservative change, it occurs at a poorly conserved position in the protein, it is predicted to be benign by multiple in silico algorithms, and/or has population frequency not consistent with disease.